The following is an entry in ClinVar:

ClinVar aggregate classification (germline): Uncertain significance (1 of 4 stars; one submission).

Conditions:
Inborn genetic diseases. Identifiers: MedGen C0950123, MeSH D030342.

Submission:

Ambry Genetics
Classification: Uncertain significance for Inborn genetic diseases. Last evaluated: 2021-09-27. Review status: criteria provided, single submitter. Criteria: Ambry Variant Classification Scheme 2023. Collection method: clinical testing. Allele origin: germline.
Comment: The p.G2034C variant (also known as c.6100G>T), located in coding exon 41 of the LRRK2 gene, results from a G to T substitution at nucleotide position 6100. The glycine at codon 2034 is replaced by cysteine, an amino acid with highly dissimilar properties. This amino acid position is conserved. In addition, this alteration is predicted to be deleterious by in silico analysis. Since supporting evidence is limited at this time, the clinical significance of this alteration remains unclear.

NM_198578.4(LRRK2):c.6100G>T (p.Gly2034Cys)

Gene: LRRK2 (leucine rich repeat kinase 2; plus strand). Cytogenetic location: 12q12.
Variant type: single nucleotide variant.
Coding change: c.6100G>T on transcript NM_198578.4 (MANE Select); coding-DNA position 6100, G replaced by T.
Protein change: p.Gly2034Cys; replaces glycine 2034 with cysteine.
Molecular consequence: missense variant.
Genome position (GRCh38, 1-based): chr12:40,340,445, G>T. VCF-style: chr12-40340445-G-T. GRCh37 (hg19) VCF-style: chr12-40734247-G-T.
Other names: short protein forms G2034C.
Identifiers: ClinVar variation 1751632 (VCV001751632.2), dbSNP rs2499948419, ClinGen allele CA384404181.
Genomic context (GRCh38, chr12:40,340,445, plus strand): 5'-AAGATTGCTGACTACGGCATTGCTCAGTACTGCTGTAGAATGGGGATAAAAACATCAGAG[G>T]GCACACCAGGTAGGTGATCAGGTCTGTCTCATAATTCTATCTTCAGGATGGATAACCACT-3'
Protein context (NP_940980.4, residues 2024-2044): CCRMGIKTSE[Gly2034Cys]TPGFRAPEVA